The following is an entry in ClinVar:

NM_003392.7(WNT5A):c.807G>A (p.Lys269=)

Gene: WNT5A (Wnt family member 5A; minus strand). Cytogenetic location: 3p14.3.
Variant type: single nucleotide variant.
Coding change: c.807G>A on transcript NM_003392.7 (MANE Select); coding-DNA position 807, G replaced by A.
Protein change: p.Lys269=; no amino-acid change (lysine 269 retained).
Molecular consequence: synonymous variant.
Genome position (GRCh38, 1-based): chr3:55,470,428, C>T on the plus strand (G>A on the coding strand, the complement: WNT5A is on the minus strand). VCF-style: chr3-55470428-C-T. GRCh37 (hg19) VCF-style: chr3-55504456-C-T.
Other names: c.762G>A, p.Lys254= (NM_001256105.1, NM_001377271.1, NM_001377272.1).
Identifiers: ClinVar variation 346267 (VCV000346267.15), dbSNP rs117338660, ClinGen allele CA2458966.

ClinVar aggregate classification (germline): Benign/Likely benign. Review status: criteria provided, multiple submitters, no conflicts (2 of 4 stars). 4 submissions from 4 submitters: Benign (1); Likely benign (2). 1 of the submissions does not count toward it. Last evaluated 2025-05-27.

Conditions:
WNT5A-related disorder. Also called: WNT5A-related condition.
Autosomal dominant Robinow syndrome 1. Also called: ACRAL DYSOSTOSIS WITH FACIAL AND GENITAL ABNORMALITIES; Covesdem syndrome (formerly); Costovertebral segmentation defect with mesomelia (formerly); FETAL FACE SYNDROME; ROBINOW DWARFISM; WNT5A-Related Robinow Syndrome, Autosomal Dominant. Identifiers: Orphanet 3107, Orphanet 97360, MedGen C4551475, MONDO:0024455, OMIM 180700.

Allele frequency attached by ClinVar (database versions not stated): gnomAD 0.00016 and 0.00019; gnomAD exomes 0.00018 and 0.00052; TOPMed 0.00020; ExAC 0.00071; 1000 Genomes Project 30x 0.00094; 1000 Genomes Project 0.00100.
gnomAD v4.1: 285 of 1,612,754 alleles (0.018%); highest among the groups gnomAD compares: East Asian, 0.61%; 2 homozygotes.

Submissions (4):

Labcorp Genetics (formerly Invitae), Labcorp
Classification: Benign. Last evaluated: 2025-05-27. Review status: criteria provided, single submitter. Criteria: Invitae Variant Classification Sherloc (09022015). Collection method: clinical testing. Allele origin: germline.

Blueprint Genetics
Classification: Likely benign. Last evaluated: 2024-04-18. Review status: criteria provided, single submitter. Criteria: ACMG Guidelines, 2015. Collection method: clinical testing. Allele origin: germline.

Fulgent Genetics
Classification: Likely benign for Autosomal dominant Robinow syndrome 1. Last evaluated: 2021-12-23. Review status: criteria provided, single submitter. Criteria: ACMG Guidelines, 2015. Collection method: clinical testing. Allele origin: unknown.

PreventionGenetics, part of Exact Sciences
Classification: Benign for WNT5A-related condition. Last evaluated: 2019-12-16. Review status: no assertion criteria provided. Collection method: clinical testing. Allele origin: germline. Not counted in ClinVar's aggregate classification.
Comment: This variant is classified as benign based on ACMG/AMP sequence variant interpretation guidelines (Richards et al. 2015 PMID: 25741868, with internal and published modifications).